The following is an entry in ClinVar:

NM_014028.4(OSTM1):c.865T>A (p.Ser289Thr)

Gene: OSTM1 (osteoclastogenesis associated transmembrane protein 1; minus strand). Cytogenetic location: 6q21.
Variant type: single nucleotide variant.
Coding change: c.865T>A on transcript NM_014028.4 (MANE Select); coding-DNA position 865, T replaced by A.
Protein change: p.Ser289Thr; replaces serine 289 with threonine.
Molecular consequence: missense variant.
Genome position (GRCh38, 1-based): chr6:108,049,337, A>T on the plus strand (T>A on the coding strand, the complement: OSTM1 is on the minus strand). VCF-style: chr6-108049337-A-T. GRCh37 (hg19) VCF-style: chr6-108370541-A-T.
Other names: c.865T>A (NM_014028.3); short protein forms S289T.
Identifiers: ClinVar variation 1399603 (VCV001399603.6), dbSNP rs1043551038, ClinGen allele CA145658592.

ClinVar aggregate classification (germline): Uncertain significance. Review status: criteria provided, multiple submitters, no conflicts (2 of 4 stars). 2 submissions from 2 submitters: Uncertain significance (2). Last evaluated 2024-12-02.

Conditions:
Inborn genetic diseases. Identifiers: MedGen C0950123, MeSH D030342.

Allele frequency attached by ClinVar (database versions not stated): gnomAD exomes 0.00001 and 0.00002; TOPMed 0.00001.
gnomAD v4.1: 8 of 1,613,012 alleles (0.0005%); highest among the groups gnomAD compares: Admixed American, 0.012%; no homozygotes.

Submissions (2):

Labcorp Genetics (formerly Invitae), Labcorp
Classification: Uncertain significance. Last evaluated: 2024-12-02. Review status: criteria provided, single submitter. Criteria: Invitae Variant Classification Sherloc (09022015). Collection method: clinical testing. Allele origin: germline.
Comment: This sequence change replaces serine, which is neutral and polar, with threonine, which is neutral and polar, at codon 289 of the OSTM1 protein (p.Ser289Thr). This variant is present in population databases (no rsID available, gnomAD 0.01%). This variant has not been reported in the literature in individuals affected with OSTM1-related conditions. ClinVar contains an entry for this variant (Variation ID: 1399603). Invitae Evidence Modeling of protein sequence and biophysical properties (such as structural, functional, and spatial information, amino acid conservation, physicochemical variation, residue mobility, and thermodynamic stability) indicates that this missense variant is not expected to disrupt OSTM1 protein function with a negative predictive value of 80%. In summary, the available evidence is currently insufficient to determine the role of this variant in disease. Therefore, it has been classified as a Variant of Uncertain Significance.

Ambry Genetics
Classification: Uncertain significance for Inborn genetic diseases. Last evaluated: 2023-01-26. Review status: criteria provided, single submitter. Criteria: Ambry Variant Classification Scheme 2023. Collection method: clinical testing. Allele origin: germline.